The following is an entry in ClinVar:

NM_000443.4(ABCB4):c.1769G>C (p.Arg590Pro)

Gene: ABCB4 (ATP binding cassette subfamily B member 4; minus strand). Cytogenetic location: 7q21.12.
Variant type: single nucleotide variant.
Coding change: c.1769G>C on transcript NM_000443.4 (MANE Select); coding-DNA position 1769, G replaced by C.
Protein change: p.Arg590Pro; replaces arginine 590 with proline.
Molecular consequence: missense variant.
Genome position (GRCh38, 1-based): chr7:87,431,528, C>G on the plus strand (G>C on the coding strand, the complement: ABCB4 is on the minus strand). VCF-style: chr7-87431528-C-G. GRCh37 (hg19) VCF-style: chr7-87060844-C-G.
Other names: c.1769G>C, p.Arg590Pro (NM_018849.3, NM_018850.3); short protein forms R590P.
Identifiers: ClinVar variation 3730466 (VCV003730466.2).
Genomic context (GRCh38, chr7:87,431,528, plus strand): 5'-TCCACAATTACTCCATCCTCAAACCCAGCGATGACATCTGCATTTCGGACCGTAGACAGT[C>G]GGTGTGCTATCACAATGGTGGTCCGGCCTTCTCTGGCCTAAAAGAACAAAAATGTGGTGC-3'
Protein context (NP_000434.1, residues 580-600): EGRTTIVIAH[Arg590Pro]LSTVRNADVI

ClinVar aggregate classification (germline): Uncertain significance (1 of 4 stars; one submission).

Submission:

Labcorp Genetics (formerly Invitae), Labcorp
Classification: Uncertain significance. Last evaluated: 2025-02-16. Review status: criteria provided, single submitter. Criteria: Invitae Variant Classification Sherloc (09022015). Collection method: clinical testing. Allele origin: germline.
Comment: This sequence change replaces arginine, which is basic and polar, with proline, which is neutral and non-polar, at codon 590 of the ABCB4 protein (p.Arg590Pro). This variant is present in population databases (no rsID available, gnomAD 0.0009%). This variant has not been reported in the literature in individuals affected with ABCB4-related conditions. Invitae Evidence Modeling of protein sequence and biophysical properties (such as structural, functional, and spatial information, amino acid conservation, physicochemical variation, residue mobility, and thermodynamic stability) indicates that this missense variant is expected to disrupt ABCB4 protein function with a positive predictive value of 80%. In summary, the available evidence is currently insufficient to determine the role of this variant in disease. Therefore, it has been classified as a Variant of Uncertain Significance.